The following is an entry in ClinVar:

NM_020693.4(DSCAML1):c.-11C>G

Gene: DSCAML1 (DS cell adhesion molecule like 1; minus strand). Cytogenetic location: 11q23.3.
Variant type: single nucleotide variant.
Coding change: c.-11C>G on transcript NM_020693.4 (MANE Select); 11 bases upstream of the start codon, C replaced by G.
Molecular consequence: 5 prime UTR variant. On other transcripts: intron variant (1).
Genome position (GRCh38, 1-based): chr11:117,797,090, G>C on the plus strand (C>G on the coding strand, the complement: DSCAML1 is on the minus strand). VCF-style: chr11-117797090-G-C. GRCh37 (hg19) VCF-style: chr11-117667805-G-C.
Other names: c.-11C>G (NM_001367904.1); c.-362-16280C>G (NM_001367905.1).
Identifiers: ClinVar variation 1925979 (VCV001925979.5), dbSNP rs373132403, ClinGen allele CA6297683.
Genomic context (GRCh38, chr11:117,797,090, plus strand): 5'-TCACCTTTGTGTAAAGAGTCCAGGAGCAGGAGGAAAGTTACCAGCCACATGCCATAAAGA[G>C]GCCCTATTCTCCGGGGAGGTGGTCCTGTGGCCGGCCGTGCGGCAGCGCCTCTCCCCCGCT-3'

ClinVar aggregate classification (germline): Uncertain significance (1 of 4 stars; one submission).

Allele frequency attached by ClinVar (database versions not stated): gnomAD 0.00001; ExAC 0.00002; TOPMed 0.00002; ESP Exome Variant Server 0.00008.
gnomAD v4.1: 10 of 1,585,564 alleles (0.00063%); highest among the groups gnomAD compares: African/African-American, 0.011%; no homozygotes.

Submission:

Labcorp Genetics (formerly Invitae), Labcorp
Classification: Uncertain significance. Last evaluated: 2026-01-06. Review status: criteria provided, single submitter. Criteria: Invitae Variant Classification Sherloc (09022015). Collection method: clinical testing. Allele origin: germline.
Comment: This sequence change replaces proline, which is neutral and non-polar, with arginine, which is basic and polar, at codon 57 of the DSCAML1 protein (p.Pro57Arg). This variant is present in population databases (rs373132403, gnomAD 0.03%). This variant has not been reported in the literature in individuals affected with DSCAML1-related conditions. ClinVar contains an entry for this variant (Variation ID: 1925979). Experimental studies and prediction algorithms are not available or were not evaluated, and the functional significance of this variant is currently unknown. In summary, the available evidence is currently insufficient to determine the role of this variant in disease. Therefore, it has been classified as a Variant of Uncertain Significance.